The following is an entry in ClinVar:

ClinVar aggregate classification (germline): Conflicting classifications of pathogenicity. Review status: criteria provided, conflicting classifications (1 of 4 stars). 3 submissions from 3 submitters: Uncertain significance (2); Likely benign (1). Last evaluated 2025-06-19.

Allele frequency attached by ClinVar (database versions not stated): gnomAD 0.00019; TOPMed 0.00019; ExAC 0.00027; gnomAD exomes 0.00037; ESP Exome Variant Server 0.00046.

Submissions (3):

Ambry Genetics
Classification: Uncertain significance. Last evaluated: 2025-06-19. Review status: criteria provided, single submitter. Criteria: Ambry Variant Classification Scheme 2023. Collection method: clinical testing. Allele origin: germline.

Blueprint Genetics
Classification: Likely benign. Last evaluated: 2024-11-08. Review status: criteria provided, single submitter. Criteria: ACMG Guidelines, 2015. Collection method: clinical testing. Allele origin: germline.

Labcorp Genetics (formerly Invitae), Labcorp
Classification: Uncertain significance. Last evaluated: 2023-04-16. Review status: criteria provided, single submitter. Criteria: Invitae Variant Classification Sherloc (09022015). Collection method: clinical testing. Allele origin: germline.
Comment: This sequence change replaces glycine, which is neutral and non-polar, with arginine, which is basic and polar, at codon 153 of the CASZ1 protein (p.Gly153Arg). This variant is present in population databases (rs143629495, gnomAD 0.04%), and has an allele count higher than expected for a pathogenic variant. This variant has not been reported in the literature in individuals affected with CASZ1-related conditions. ClinVar contains an entry for this variant (Variation ID: 2045514). Algorithms developed to predict the effect of missense changes on protein structure and function output the following: SIFT: "Not Available"; PolyPhen-2: "Benign"; Align-GVGD: "Not Available". The arginine amino acid residue is found in multiple mammalian species, which suggests that this missense change does not adversely affect protein function. In summary, the available evidence is currently insufficient to determine the role of this variant in disease. Therefore, it has been classified as a Variant of Uncertain Significance.

NM_001079843.3(CASZ1):c.457G>A (p.Gly153Arg)

Gene: CASZ1 (castor zinc finger 1; minus strand). Cytogenetic location: 1p36.22.
Variant type: single nucleotide variant.
Coding change: c.457G>A on transcript NM_001079843.3 (MANE Select); coding-DNA position 457, G replaced by A.
Protein change: p.Gly153Arg; replaces glycine 153 with arginine.
Molecular consequence: missense variant.
Genome position (GRCh38, 1-based): chr1:10,665,131, C>T on the plus strand (G>A on the coding strand, the complement: CASZ1 is on the minus strand). VCF-style: chr1-10665131-C-T. GRCh37 (hg19) VCF-style: chr1-10725188-C-T.
Other names: c.457G>A, p.Gly153Arg (NM_017766.5); c.457G>A (NM_001079843.1); short protein forms G153R.
Identifiers: ClinVar variation 2045514 (VCV002045514.6), dbSNP rs143629495, ClinGen allele CA585439.
Genomic context (GRCh38, chr1:10,665,131, plus strand): 5'-CCAGGCACCCACCTGAAGCCTGCCTGGTGCTGGGGCCGCTGTCCTCCTTGGAGGCTGCCC[C>T]GTCCGAATCCTTCTCCTCCAGGGCACCGCCGTCCTTGGAGGGCTCCTCCGCGTGGTCTTC-3'
Protein context (NP_001073312.1, residues 143-163): GGALEEKDSD[Gly153Arg]AASKEDSGPS